The following is an entry in ClinVar:

ClinVar aggregate classification (germline): Uncertain significance. Review status: criteria provided, multiple submitters, no conflicts (2 of 4 stars). 2 submissions from 2 submitters: Uncertain significance (2). Last evaluated 2026-07-23.

Conditions:
Inborn genetic diseases. Identifiers: MedGen C0950123, MeSH D030342.
Short-rib thoracic dysplasia 11 with or without polydactyly (SRTD11). Also called: SHORT-RIB THORACIC DYSPLASIA 11 WITHOUT POLYDACTYLY. Identifiers: Orphanet 474, Orphanet 93271, MedGen C3810200, MONDO:0014287, OMIM 615633.

Allele frequency attached by ClinVar (database versions not stated): gnomAD exomes 0.00004; gnomAD 0.00001; ESP Exome Variant Server 0.00015; TOPMed 0.00002; ExAC 0.00003.
gnomAD v4.1: 57 of 1,612,564 alleles (0.0035%); highest among the groups gnomAD compares: Non-Finnish European, 0.0046%; no homozygotes.

Submissions (2):

Ambry Genetics
Classification: Uncertain significance for Inborn genetic diseases. Last evaluated: 2026-07-23. Review status: criteria provided, single submitter. Criteria: Ambry Variant Classification Scheme 2023. Collection method: clinical testing. Allele origin: germline.

Labcorp Genetics (formerly Invitae), Labcorp
Classification: Uncertain significance for Short-rib thoracic dysplasia 11 with or without polydactyly. Last evaluated: 2025-10-14. Review status: criteria provided, single submitter. Criteria: Invitae Variant Classification Sherloc (09022015). Collection method: clinical testing. Allele origin: germline.
Comment: This sequence change replaces alanine, which is neutral and non-polar, with serine, which is neutral and polar, at codon 177 of the WDR34 protein (p.Ala177Ser). This variant is present in population databases (rs376244238, gnomAD 0.007%). This variant has not been reported in the literature in individuals affected with WDR34-related conditions. ClinVar contains an entry for this variant (Variation ID: 2051596). An algorithm developed to predict the effect of missense changes on protein structure and function (PolyPhen-2) suggests that this variant is likely to be disruptive. In summary, the available evidence is currently insufficient to determine the role of this variant in disease. Therefore, it has been classified as a Variant of Uncertain Significance.

NM_052844.4(DYNC2I2):c.529G>T (p.Ala177Ser)

Gene: DYNC2I2 (dynein 2 intermediate chain 2; minus strand). Cytogenetic location: 9q34.11.
Variant type: single nucleotide variant.
Coding change: c.529G>T on transcript NM_052844.4 (MANE Select); coding-DNA position 529, G replaced by T.
Protein change: p.Ala177Ser; replaces alanine 177 with serine.
Molecular consequence: missense variant.
Genome position (GRCh38, 1-based): chr9:128,636,934, C>A on the plus strand (G>T on the coding strand, the complement: DYNC2I2 is on the minus strand). VCF-style: chr9-128636934-C-A. GRCh37 (hg19) VCF-style: chr9-131399213-C-A.
Other names: c.529G>T (NM_052844.3); short protein forms A177S.
Identifiers: ClinVar variation 2051596 (VCV002051596.4), dbSNP rs376244238, ClinGen allele CA5266586.